The following is an entry in ClinVar:

ClinVar aggregate classification (germline): Uncertain significance (1 of 4 stars; one submission).

Submission:

Labcorp Genetics (formerly Invitae), Labcorp
Classification: Uncertain significance. Last evaluated: 2022-05-21. Review status: criteria provided, single submitter. Criteria: Invitae Variant Classification Sherloc (09022015). Collection method: clinical testing. Allele origin: germline.
Comment: This variant, c.1400_1402del, results in the deletion of 1 amino acid(s) of the SLC45A2 protein (p.Asn467del), but otherwise preserves the integrity of the reading frame. This variant is present in population databases (no rsID available, gnomAD 0.0009%). This variant has not been reported in the literature in individuals affected with SLC45A2-related conditions. Experimental studies and prediction algorithms are not available or were not evaluated, and the functional significance of this variant is currently unknown. In summary, the available evidence is currently insufficient to determine the role of this variant in disease. Therefore, it has been classified as a Variant of Uncertain Significance.

NM_016180.5(SLC45A2):c.1397ACA[1] (p.Asn467del)

Gene: SLC45A2 (solute carrier family 45 member 2; minus strand). Cytogenetic location: 5p13.2.
Variant type: Microsatellite.
Coding change: c.1397ACA[1] on transcript NM_016180.5 (MANE Select); one copy of the 3-base unit ACA starting at c.1397; the reference has two copies in a row; one copy, 3 bases deleted.
Protein change: p.Asn467del; deletes asparagine 467.
Molecular consequence: inframe deletion.
Genome position (GRCh38, 1-based): chr5:33,944,839-33,944,841, TGT deleted on the plus strand (ACA on the coding strand, the reverse complement: SLC45A2 is on the minus strand); deleting any 3 consecutive bases within chr5:33,944,839-33,944,844 gives the same sequence; the position shown is the placement nearest the transcript's 3' end. VCF-style (leftmost placement, unchanged base first): chr5-33944838-CTGT-C. GRCh37 (hg19) VCF-style: chr5-33944943-CTGT-C.
Other names: short protein forms N467del.
Identifiers: ClinVar variation 1971232 (VCV001971232.3), dbSNP rs1418498300, ClinGen allele CA559293881.